The following is an entry in ClinVar:

ClinVar aggregate classification (germline): Uncertain significance. Review status: criteria provided, multiple submitters, no conflicts (2 of 4 stars). 2 submissions from 2 submitters: Uncertain significance (2). Last evaluated 2026-04-22.

Conditions:
Myofibrillar myopathy 5. Also called: Filaminopathy (type); FILAMINOPATHY, AUTOSOMAL DOMINANT. Identifiers: Orphanet 171445, MedGen C1836050, MONDO:0012289, OMIM 609524.
Hypertrophic cardiomyopathy 26. Also called: Cardiomyopathy, familial hypertrophic, 26. Identifiers: Orphanet 75249, MedGen C4310749, MONDO:0014883, OMIM 617047.
Distal myopathy with posterior leg and anterior hand involvement. Also called: WILLIAMS DISTAL MYOPATHY. Identifiers: Orphanet 63273, MedGen C3279722, MONDO:0013550, OMIM 614065.
Cardiovascular phenotype. Identifiers: MedGen CN230736.

Submissions (2):

Ambry Genetics
Classification: Uncertain significance for Cardiovascular phenotype. Last evaluated: 2026-04-22. Review status: criteria provided, single submitter. Criteria: Ambry Variant Classification Scheme 2023. Collection method: clinical testing. Allele origin: germline.
Comment: The c.6381_6386dupGGTGAC variant (also known as p.V2128_T2129dup), located in coding exon 39 of the FLNC gene, results from an in-frame duplication of GGTGAC at nucleotide positions 6381 to 6386. This results in the duplication of 2 extra residues (VT) between codons 2128 and 2129. This variant was reported in individual(s) with features consistent with hypertrophic cardiomyopathy (Ambry internal data). This amino acid region is well conserved in available vertebrate species. In addition, this variant is predicted to be deleterious by in silico analysis (Choi Y et al. PLoS ONE. 2012; 7(10):e46688). Based on the available evidence, the clinical significance of this variant remains unclear.

Labcorp Genetics (formerly Invitae), Labcorp
Classification: Uncertain significance for Distal myopathy with posterior leg and anterior hand involvement; Myofibrillar myopathy 5; Hypertrophic cardiomyopathy 26. Last evaluated: 2020-02-05. Review status: criteria provided, single submitter. Criteria: Invitae Variant Classification Sherloc (09022015). Collection method: clinical testing. Allele origin: germline.
Comment: This variant, c.6381_6386dup, results in the insertion of 2 amino acid(s) to the FLNC protein (p.Val2128_Thr2129dup), but otherwise preserves the integrity of the reading frame. This variant is not present in population databases (ExAC no frequency). This variant has not been reported in the literature in individuals with FLNC-related conditions. Experimental studies and prediction algorithms are not available or were not evaluated, and the functional significance of this variant is currently unknown. Algorithms developed to predict the effect of sequence changes on RNA splicing suggest that this variant may create or strengthen a splice site, but this prediction has not been confirmed by published transcriptional studies. In summary, the available evidence is currently insufficient to determine the role of this variant in disease. Therefore, it has been classified as a Variant of Uncertain Significance.

NM_001458.5(FLNC):c.6381_6386dup (p.Val2128_Thr2129dup)

Genes: FLNC (filamin C; plus strand), FLNC-AS1 (FLNC antisense RNA 1; minus strand). Cytogenetic location: 7q32.1.
Variant type: Duplication.
Coding change: c.6381_6386dup on transcript NM_001458.5 (MANE Select); coding-DNA positions 6381 to 6386, 6 bases duplicated (GGTGAC; older notation c.6381_6386dupGGTGAC).
Protein change: p.Val2128_Thr2129dup.
Molecular consequence: inframe insertion.
Genome position (GRCh38, 1-based): chr7:128,853,734-128,853,739, GGTGAC duplicated. VCF-style (leftmost placement, unchanged base first): chr7-128853733-A-AGGTGAC. GRCh37 (hg19) VCF-style: chr7-128493787-A-AGGTGAC.
Other names: c.6381_6386dupGGTGAC (NM_001458.4); c.6282_6287dup, p.Val2095_Thr2096dup (NM_001127487.2).
Identifiers: ClinVar variation 1009197 (VCV001009197.11), dbSNP rs1808924597, ClinGen allele CA1742577899.